The following is an entry in ClinVar:

NM_001042492.3(NF1):c.2752A>C (p.Lys918Gln)

Gene: NF1 (neurofibromin 1; plus strand). Cytogenetic location: 17q11.2.
Variant type: single nucleotide variant.
Coding change: c.2752A>C on transcript NM_001042492.3 (MANE Select); coding-DNA position 2752, A replaced by C.
Protein change: p.Lys918Gln; replaces lysine 918 with glutamine.
Molecular consequence: missense variant.
Genome position (GRCh38, 1-based): chr17:31,229,367, A>C. VCF-style: chr17-31229367-A-C. GRCh37 (hg19) VCF-style: chr17-29556385-A-C.
Other names: c.2752A>C, p.Lys918Gln (NM_000267.4); short protein forms K918Q.
Identifiers: ClinVar variation 3634516 (VCV003634516.2).

ClinVar aggregate classification (germline): Uncertain significance (1 of 4 stars; one submission).

Conditions:
Neurofibromatosis, type 1 (NF1). Also called: VON RECKLINGHAUSEN DISEASE; Peripheral type neurofibromatosis; NEUROFIBROMATOSIS, TYPE I, SOMATIC; Neurofibromatosis, type I. Identifiers: Orphanet 636, MedGen C0027831, MONDO:0018975, OMIM 162200. Disease mechanism: loss of function.

Submission:

Labcorp Genetics (formerly Invitae), Labcorp
Classification: Uncertain significance for Neurofibromatosis, type 1. Last evaluated: 2025-01-14. Review status: criteria provided, single submitter. Criteria: Invitae Variant Classification Sherloc (09022015). Collection method: clinical testing. Allele origin: germline.
Comment: This sequence change replaces lysine, which is basic and polar, with glutamine, which is neutral and polar, at codon 918 of the NF1 protein (p.Lys918Gln). This variant is not present in population databases (gnomAD no frequency). This variant has not been reported in the literature in individuals affected with NF1-related conditions. Invitae Evidence Modeling of protein sequence and biophysical properties (such as structural, functional, and spatial information, amino acid conservation, physicochemical variation, residue mobility, and thermodynamic stability) indicates that this missense variant is expected to disrupt NF1 protein function with a positive predictive value of 95%. In summary, the available evidence is currently insufficient to determine the role of this variant in disease. Therefore, it has been classified as a Variant of Uncertain Significance.